The following is an entry in ClinVar:

ClinVar aggregate classification (germline): Likely pathogenic (1 of 4 stars; one submission).

Submission:

Clinical Genomics Laboratory, Laboratory for Precision Diagnostics, University of Washington
Classification: Likely pathogenic. Last evaluated: 2018-08-06. Review status: criteria provided, single submitter. Criteria: Clinical Cytogenomics Laboratory Policy on CNV Interpretation. Collection method: clinical testing. Allele origin: paternal. Affected: yes. Observed: 1 variant allele.

Literature cited by the submitters: PubMed 28942967; PubMed 29432562; PubMed 28238240; PubMed 23128226.

GRCh37/hg19 4q24(chr4:101953182-102026137)x1

Gene: PPP3CA (protein phosphatase 3 catalytic subunit alpha; minus strand). Cytogenetic location: 4q24.
Variant type: copy number loss.
Change: copy number 1 (one copy instead of two) of chr4:101,953,182-102,026,137 (73.0 kb, GRCh37 coordinates, 1-based), cytogenetic band 4q24.
Identifiers: ClinVar variation 638108 (VCV000638108.2).